The following is an entry in ClinVar:

ClinVar aggregate classification (germline): Pathogenic (1 of 4 stars; one submission).

Conditions:
Nemaline myopathy 2 (NEM2). Also called: Nemaline myopathy 2, autosomal recessive. Identifiers: MedGen C1850569, MONDO:0009725, OMIM 256030.

Submission:

Myriad Genetics, Inc.
Classification: Pathogenic for Nemaline myopathy 2. Last evaluated: 2026-07-30. Review status: criteria provided, single submitter. Criteria: Myriad Autosomal Dominant, Autosomal Recessive and X-Linked Classification Criteria (2023). Collection method: clinical testing. Allele origin: unknown.
Comment: NM_001271208.1(NEB):c.21127_21132del6ins7(W7043Sfs*11) is expected to be pathogenic in the context of NEB-related nemaline myopathy. This variant is predicted to lead to an abnormal or absent protein product due to the creation of a premature termination codon in NEB, a gene where loss-of-function variants are known to be pathogenic. Please note: this variant was assessed in the context of healthy population screening.

NM_001164508.2(NEB):c.21127_21132delinsAGCAACC (p.Trp7043fs)

Gene: NEB (nebulin; minus strand). Cytogenetic location: 2q23.3.
Variant type: Indel.
Coding change: c.21127_21132delinsAGCAACC on transcript NM_001164508.2 (MANE Select); coding-DNA positions 21127 to 21132, TGGCTT replaced by AGCAACC.
Protein change: p.Trp7043fs; shifts the reading frame from tryptophan 7043.
Molecular consequence: frameshift variant.
Genome position (GRCh38, 1-based): chr2:151,537,207-151,537,212, AAGCCA replaced by GGTTGCT on the plus strand (TGGCTT replaced by AGCAACC on the coding strand, the reverse complement: NEB is on the minus strand). VCF-style: chr2-151537207-AAGCCA-GGTTGCT. GRCh37 (hg19) VCF-style: chr2-152393721-AAGCCA-GGTTGCT.
Other names: c.21127_21132delinsAGCAACC, p.Trp7043fs (NM_001164507.2, NM_001271208.2); c.16024_16029delinsAGCAACC, p.Trp5342fs (NM_004543.5); short protein forms W5342fs, W7043fs.
Identifiers: ClinVar variation 5016186 (VCV005016186.1).